The following is an entry in ClinVar:

ClinVar aggregate classification (germline): Uncertain significance. Review status: criteria provided, multiple submitters, no conflicts (2 of 4 stars). 2 submissions from 2 submitters: Uncertain significance (2). Last evaluated 2025-01-17.

Conditions:
Inborn genetic diseases. Identifiers: MedGen C0950123, MeSH D030342.
Baller-Gerold syndrome (BGS). Also called: CRANIOSYNOSTOSIS WITH RADIAL DEFECTS. Identifiers: Orphanet 1225, MedGen C0265308, MONDO:0009039, OMIM 218600.

Submissions (2):

Ambry Genetics
Classification: Uncertain significance for Inborn genetic diseases. Last evaluated: 2025-01-17. Review status: criteria provided, single submitter. Criteria: Ambry Variant Classification Scheme 2023. Collection method: clinical testing. Allele origin: germline.
Comment: The p.L369R variant (also known as c.1106T>G), located in coding exon 5 of the RECQL4 gene, results from a T to G substitution at nucleotide position 1106. The leucine at codon 369 is replaced by arginine, an amino acid with dissimilar properties. This amino acid position is conserved. In addition, the in silico prediction for this alteration is inconclusive. Based on the available evidence, the clinical significance of this variant remains unclear.

Labcorp Genetics (formerly Invitae), Labcorp
Classification: Uncertain significance for Baller-Gerold syndrome. Last evaluated: 2022-10-11. Review status: criteria provided, single submitter. Criteria: Invitae Variant Classification Sherloc (09022015). Collection method: clinical testing. Allele origin: germline.
Comment: This sequence change replaces leucine, which is neutral and non-polar, with arginine, which is basic and polar, at codon 369 of the RECQL4 protein (p.Leu369Arg). This variant is not present in population databases (gnomAD no frequency). This variant has not been reported in the literature in individuals affected with RECQL4-related conditions. ClinVar contains an entry for this variant (Variation ID: 664514). In summary, the available evidence is currently insufficient to determine the role of this variant in disease. Therefore, it has been classified as a Variant of Uncertain Significance.

NM_004260.4(RECQL4):c.1106T>G (p.Leu369Arg)

Gene: RECQL4 (RecQ like helicase 4; minus strand). Cytogenetic location: 8q24.3.
Variant type: single nucleotide variant.
Coding change: c.1106T>G on transcript NM_004260.4 (MANE Select); coding-DNA position 1106, T replaced by G.
Protein change: p.Leu369Arg; replaces leucine 369 with arginine.
Molecular consequence: missense variant.
Genome position (GRCh38, 1-based): chr8:144,516,013, A>C on the plus strand (T>G on the coding strand, the complement: RECQL4 is on the minus strand). VCF-style: chr8-144516013-A-C. GRCh37 (hg19) VCF-style: chr8-145741397-A-C.
Other names: short protein forms L369R.
Identifiers: ClinVar variation 664514 (VCV000664514.4), dbSNP rs1586821015, ClinGen allele CA372688022.